The following is an entry in ClinVar:

NM_015338.6(ASXL1):c.353C>G (p.Thr118Ser)

Gene: ASXL1 (ASXL transcriptional regulator 1; plus strand). Cytogenetic location: 20q11.21.
Variant type: single nucleotide variant.
Coding change: c.353C>G on transcript NM_015338.6 (MANE Select); coding-DNA position 353, C replaced by G.
Protein change: p.Thr118Ser; replaces threonine 118 with serine.
Molecular consequence: missense variant.
Genome position (GRCh38, 1-based): chr20:32,428,228, C>G. VCF-style: chr20-32428228-C-G. GRCh37 (hg19) VCF-style: chr20-31016031-C-G.
Other names: c.323C>G, p.Thr108Ser (NM_001363734.1); short protein forms T108S, T118S.
Identifiers: ClinVar variation 3954878 (VCV003954878.1).

ClinVar aggregate classification (germline): Uncertain significance (1 of 4 stars; one submission).

Conditions:
Inborn genetic diseases. Identifiers: MedGen C0950123, MeSH D030342.

gnomAD v4.1: 2 of 1,614,172 alleles (0.00012%); highest among the groups gnomAD compares: South Asian, 0.0022%; no homozygotes.

Submission:

Ambry Genetics
Classification: Uncertain significance for Inborn genetic diseases. Last evaluated: 2025-03-15. Review status: criteria provided, single submitter. Criteria: Ambry Variant Classification Scheme 2023. Collection method: clinical testing. Allele origin: germline.
Comment: The p.T118S variant (also known as c.353C>G), located in coding exon 5 of the ASXL1 gene, results from a C to G substitution at nucleotide position 353. The threonine at codon 118 is replaced by serine, an amino acid with similar properties. This amino acid position is conserved. In addition, this alteration is predicted to be tolerated by in silico analysis. Based on the available evidence, the clinical significance of this variant remains unclear.